The following is an entry in ClinVar:

NM_004369.4(COL6A3):c.4817A>G (p.Glu1606Gly)

Gene: COL6A3 (collagen type VI alpha 3 chain; minus strand). Cytogenetic location: 2q37.3.
Variant type: single nucleotide variant.
Coding change: c.4817A>G on transcript NM_004369.4 (MANE Select); coding-DNA position 4817, A replaced by G.
Protein change: p.Glu1606Gly; replaces glutamic acid 1606 with glycine.
Molecular consequence: missense variant.
Genome position (GRCh38, 1-based): chr2:237,368,646, T>C on the plus strand (A>G on the coding strand, the complement: COL6A3 is on the minus strand). VCF-style: chr2-237368646-T-C. GRCh37 (hg19) VCF-style: chr2-238277289-T-C.
Other names: c.2996A>G, p.Glu999Gly (NM_057166.5); c.4199A>G, p.Glu1400Gly (NM_057167.4); short protein forms E1606G, E1400G, E999G.
Identifiers: ClinVar variation 423016 (VCV000423016.3), dbSNP rs1064796167, ClinGen allele CA16617502.

ClinVar aggregate classification (germline): Uncertain significance (1 of 4 stars; one submission).

Allele frequency attached by ClinVar (database versions not stated): gnomAD exomes below 0.00001.
gnomAD v4.1: 2 of 1,614,030 alleles (0.00012%); highest among the groups gnomAD compares: South Asian, 0.0011%; no homozygotes.

Submission:

GeneDx
Classification: Uncertain significance. Last evaluated: 2020-12-07. Review status: criteria provided, single submitter. Criteria: GeneDx Variant Classification Process June 2021. Collection method: clinical testing. Allele origin: germline. Affected: yes.
Comment: Not observed in large population cohorts (Lek et al., 2016); In silico analysis supports that this missense variant has a deleterious effect on protein structure/function; Has not been previously published as pathogenic or benign to our knowledge